The following is an entry in ClinVar:

ClinVar aggregate classification (germline): Uncertain significance (1 of 4 stars; one submission).

Conditions:
Developmental and epileptic encephalopathy, 47 (DEE47). Also called: Epileptic encephalopathy, early infantile, 47. Identifiers: MedGen C4310685, MONDO:0014949, OMIM 617166.

Submission:

New York Genome Center
Classification: Uncertain significance for Developmental and epileptic encephalopathy, 47. Last evaluated: 2021-05-14. Review status: criteria provided, single submitter. Criteria: NYGC Assertion Criteria 2020. Collection method: clinical testing. Allele origin: germline. Observed: 1 heterozygote. Study: CSER-NYCKidSeq.
Comment: The c.37A>G (p.Lys13Glu) variant identified in the FGF12 gene substitutes a well conserved Lysine for Glutamic Acid at amino acid 13/244 (exon 1/5). This variant is absent from gnomAD(v3.1.1) suggesting it is not a common benign variant in the populations represented in that database. In silico algorithms do not agree on the effect of this variant, as it is predicted both Damaging (SIFT; score:0.002) and Benign (REVEL; score:0.517) to the function of the canonical transcript. This variant is absent from ClinVar and to our current knowledge has not been reported in affected individuals in the literature. The p.Lys13 residue is within the Bipartite nuclear localization signal of FGF12 (UniProtKB:P61328). Given the lack of compelling evidence for its pathogenicity, the c.37A>G (p.Lys13Glu) variant identified in the FGF12 gene is reported as a Variant of Uncertain Significance.

NM_004113.6(FGF12):c.14-47649A>G

Gene: FGF12 (fibroblast growth factor 12; minus strand). Cytogenetic location: 3q28.
Variant type: single nucleotide variant.
Coding change: c.14-47649A>G on transcript NM_004113.6 (MANE Select); 47649 bases into the intron before coding-DNA position 14, A replaced by G.
Molecular consequence: intron variant. On other transcripts: missense variant (1).
Genome position (GRCh38, 1-based): chr3:192,408,187, T>C on the plus strand (A>G on the coding strand, the complement: FGF12 is on the minus strand). VCF-style: chr3-192408187-T-C. GRCh37 (hg19) VCF-style: chr3-192125976-T-C.
Other names: c.37A>G, p.Lys13Glu (NM_021032.5); c.-59-47649A>G (NM_001377293.1); c.14-72723A>G (NM_001377292.1); c.-60+1325A>G (NM_001377294.1); short protein forms K13E.
Identifiers: ClinVar variation 1679653 (VCV001679653.1), dbSNP rs2108776132, ClinGen allele CA355866878.